The following is an entry in ClinVar:

ClinVar aggregate classification (germline): Uncertain significance (1 of 4 stars; one submission).

Conditions:
Hereditary cancer-predisposing syndrome. Also called: Tumor predisposition; Hereditary Cancer Syndrome; Hereditary neoplastic syndrome; Neoplastic Syndromes, Hereditary. Identifiers: Orphanet 140162, MedGen C0027672, MeSH D009386, MONDO:0015356.

Submission:

Ambry Genetics
Classification: Uncertain significance for Hereditary cancer-predisposing syndrome. Last evaluated: 2025-11-26. Review status: criteria provided, single submitter. Criteria: Ambry Variant Classification Scheme 2023. Collection method: clinical testing. Allele origin: germline.
Comment: The p.Q365H variant (also known as c.1095G>C), located in coding exon 9 of the SUFU gene, results from a G to C substitution at nucleotide position 1095. The glutamine at codon 365 is replaced by histidine, an amino acid with highly similar properties. This amino acid position is conserved. In addition, the in silico prediction for this alteration is inconclusive. Based on the available evidence, the clinical significance of this variant remains unclear.

NM_016169.4(SUFU):c.1095G>C (p.Gln365His)

Gene: SUFU (SUFU negative regulator of hedgehog signaling; plus strand). Cytogenetic location: 10q24.32.
Variant type: single nucleotide variant.
Coding change: c.1095G>C on transcript NM_016169.4 (MANE Select); coding-DNA position 1095, G replaced by C.
Protein change: p.Gln365His; replaces glutamine 365 with histidine.
Molecular consequence: missense variant.
Genome position (GRCh38, 1-based): chr10:102,615,340, G>C. VCF-style: chr10-102615340-G-C. GRCh37 (hg19) VCF-style: chr10-104375097-G-C.
Other names: c.1095G>C, p.Gln365His (NM_001178133.2); short protein forms Q365H.
Identifiers: ClinVar variation 4551873 (VCV004551873.1).